The following is an entry in ClinVar:

ClinVar aggregate classification (germline): Uncertain significance (1 of 4 stars; one submission).

Conditions:
PLXNA1-related disorder. Also called: PLXNA1-related condition.

Submission:

PreventionGenetics, part of Exact Sciences
Classification: Uncertain significance for PLXNA1-related condition. Last evaluated: 2025-09-03. Review status: criteria provided, single submitter. Criteria: ACMG Guidelines, 2015. Collection method: clinical testing. Allele origin: germline.
Comment: The PLXNA1 c.4876A>G variant is predicted to result in the amino acid substitution p.Met1626Val. To our knowledge, this variant has not been reported in the literature or in a large population database (gnomAD), indicating this variant is rare. At this time, the clinical significance of this variant is uncertain due to the absence of conclusive functional and genetic evidence.

NM_032242.4(PLXNA1):c.4876A>G (p.Met1626Val)

Gene: PLXNA1 (plexin A1; plus strand). Cytogenetic location: 3q21.3.
Variant type: single nucleotide variant.
Coding change: c.4876A>G on transcript NM_032242.4 (MANE Select); coding-DNA position 4876, A replaced by G.
Protein change: p.Met1626Val; replaces methionine 1626 with valine.
Molecular consequence: missense variant.
Genome position (GRCh38, 1-based): chr3:127,029,879, A>G. VCF-style: chr3-127029879-A-G. GRCh37 (hg19) VCF-style: chr3-126748722-A-G.
Other names: short protein forms M1626V.
Identifiers: ClinVar variation 4991775 (VCV004991775.1).